The following is an entry in ClinVar:

ClinVar aggregate classification (germline): Uncertain significance (1 of 4 stars; one submission).

Allele frequency attached by ClinVar (database versions not stated): TOPMed below 0.00001; gnomAD 0.00001.

Submission:

Labcorp Genetics (formerly Invitae), Labcorp
Classification: Uncertain significance. Last evaluated: 2022-07-29. Review status: criteria provided, single submitter. Criteria: Invitae Variant Classification Sherloc (09022015). Collection method: clinical testing. Allele origin: germline.
Comment: In summary, the available evidence is currently insufficient to determine the role of this variant in disease. Therefore, it has been classified as a Variant of Uncertain Significance. Algorithms developed to predict the effect of missense changes on protein structure and function are either unavailable or do not agree on the potential impact of this missense change (SIFT: "Deleterious"; PolyPhen-2: "Possibly Damaging"; Align-GVGD: "Class C0"). This variant has not been reported in the literature in individuals affected with AHR-related conditions. This variant is not present in population databases (gnomAD no frequency). This sequence change replaces proline, which is neutral and non-polar, with glutamine, which is neutral and polar, at codon 25 of the AHR protein (p.Pro25Gln).

NM_001621.5(AHR):c.74C>A (p.Pro25Gln)

Gene: AHR (aryl hydrocarbon receptor; plus strand). Cytogenetic location: 7p21.1.
Variant type: single nucleotide variant.
Coding change: c.74C>A on transcript NM_001621.5 (MANE Select); coding-DNA position 74, C replaced by A.
Protein change: p.Pro25Gln; replaces proline 25 with glutamine.
Molecular consequence: missense variant.
Genome position (GRCh38, 1-based): chr7:17,309,944, C>A. VCF-style: chr7-17309944-C-A. GRCh37 (hg19) VCF-style: chr7-17349568-C-A.
Other names: short protein forms P25Q.
Identifiers: ClinVar variation 2182105 (VCV002182105.4), dbSNP rs1198986338, ClinGen allele CA366887703.
Genomic context (GRCh38, chr7:17,309,944, plus strand): 5'-TTTGCTTTATATTTTTTAAAGGATTTTTTATGGTATTTTGTTTGTTTTTCAGAGTAAAGC[C>A]AATCCCAGCTGAAGGAATCAAGTCAAATCCTTCCAAGCGGCATAGAGACCGACTTAATAC-3'
Protein context (NP_001612.1, residues 15-35): RRKPVQKTVK[Pro25Gln]IPAEGIKSNP